The following is an entry in ClinVar:

NM_172351.3(CD46):c.453C>T (p.Ser151=)

Gene: CD46 (CD46 molecule; plus strand). Cytogenetic location: 1q32.2.
Variant type: single nucleotide variant.
Coding change: c.453C>T on transcript NM_172351.3 (MANE Select); coding-DNA position 453, C replaced by T.
Protein change: p.Ser151=; no amino-acid change (serine 151 retained).
Molecular consequence: synonymous variant.
Genome position (GRCh38, 1-based): chr1:207,759,702, C>T. VCF-style: chr1-207759702-C-T. GRCh37 (hg19) VCF-style: chr1-207933047-C-T.
Other names: p.Ser151=; c.453C>T, p.Ser151= (NM_002389.4, NM_153826.4, NM_172350.3 and 8 more transcripts).
Identifiers: ClinVar variation 876703 (VCV000876703.21), dbSNP rs145041158, ClinGen allele CA1371627.

ClinVar aggregate classification (germline): Benign. Review status: criteria provided, multiple submitters, no conflicts (2 of 4 stars). 9 submissions from 9 submitters: Benign (8). 1 of the submissions does not count toward it. Last evaluated 2026-02-01.

Conditions:
Atypical hemolytic-uremic syndrome with MCP/CD46 anomaly. Also called: HEMOLYTIC UREMIC SYNDROME, ATYPICAL, SUSCEPTIBILITY TO, 2; AHUS, SUSCEPTIBILITY TO, 2. Identifiers: Orphanet 2134, MedGen C2752040, MONDO:0013040, OMIM 612922.
CD46-related disorder. Also called: CD46-related condition.
Atypical hemolytic-uremic syndrome. Identifiers: Orphanet 2134, MedGen C2931788, MONDO:0016244.

Allele frequency attached by ClinVar (database versions not stated): ESP Exome Variant Server 0.00346; TOPMed 0.00590; gnomAD 0.00444 and 0.00408; ExAC 0.00597; gnomAD exomes 0.00551; 1000 Genomes Project 0.01018; 1000 Genomes Project 30x 0.01093.
gnomAD v4.1: 4,417 of 1,604,142 alleles (0.28%); highest among the groups gnomAD compares: East Asian, 3.8%; 60 homozygotes.

Submissions (9):

Labcorp Genetics (formerly Invitae), Labcorp
Classification: Benign. Last evaluated: 2026-02-01. Review status: criteria provided, single submitter. Criteria: Invitae Variant Classification Sherloc (09022015). Collection method: clinical testing. Allele origin: germline.

Women's Health and Genetics/Laboratory Corporation of America, LabCorp
Classification: Benign. Last evaluated: 2026-01-22. Review status: criteria provided, single submitter. Criteria: LabCorp Variant Classification Summary - May 2015. Collection method: clinical testing. Allele origin: germline.

Genomenon, Inc
Classification: Benign for Atypical hemolytic-uremic syndrome. Last evaluated: 2025-10-02. Review status: criteria provided, single submitter. Criteria: Genomenon Sequence Variant Interpretation Standards. Collection method: curation. Allele origin: germline. Affected: no.
Comment: CD46 p.Ser151= (c.453C>T) is a synonymous variant that retains Serine at residue 151. This variant has been reported in the published literature (PMID:10751138). This variant is present at high allele frequency in population databases. In conclusion, we classify CD46 p.Ser151= (c.453C>T) as a benign variant.

Mayo Clinic Laboratories, Mayo Clinic
Classification: Benign. Last evaluated: 2024-12-11. Review status: criteria provided, single submitter. Criteria: ACMG Guidelines, 2015. Collection method: clinical testing. Allele origin: germline. Observed: 41 variant alleles.
Comment: BS1, BS2, BP4, BP7

Blueprint Genetics
Classification: Benign. Last evaluated: 2024-11-26. Review status: criteria provided, single submitter. Criteria: ACMG Guidelines, 2015. Collection method: clinical testing. Allele origin: germline.

Genome Diagnostics Laboratory, The Hospital for Sick Children
Classification: Benign for Atypical hemolytic-uremic syndrome. Last evaluated: 2022-02-25. Review status: criteria provided, single submitter. Criteria: ACMG Guidelines, 2015. Collection method: clinical testing. Allele origin: germline.

Illumina Laboratory Services, Illumina
Classification: Benign for Atypical hemolytic-uremic syndrome with MCP/CD46 anomaly. Last evaluated: 2018-01-12. Review status: criteria provided, single submitter. Criteria: ICSL Variant Classification Criteria 13 December 2019. Collection method: clinical testing. Allele origin: germline.
Comment: This variant was observed in the ICSL laboratory as part of a predisposition screen in an ostensibly healthy population. It had not been previously curated by ICSL or reported in the Human Gene Mutation Database (HGMD: prior to June 1st, 2018), and was therefore a candidate for classification through an automated scoring system. Utilizing variant allele frequency, disease prevalence and penetrance estimates, and inheritance mode, an automated score was calculated to assess if this variant is too frequent to cause the disease. Based on the score and internal cut-off values, a variant classified as benign is not then subjected to further curation. The score for this variant resulted in a classification of benign for this disease.

Breakthrough Genomics
Classification: Benign. Review status: criteria provided, single submitter. Criteria: ACMG Guidelines, 2015. Collection method: not provided. Allele origin: germline. Inheritance: Autosomal recessive inheritance. Affected: yes.

PreventionGenetics, part of Exact Sciences
Classification: Benign for CD46-related condition. Last evaluated: 2019-10-31. Review status: no assertion criteria provided. Collection method: clinical testing. Allele origin: germline. Not counted in ClinVar's aggregate classification.
Comment: This variant is classified as benign based on ACMG/AMP sequence variant interpretation guidelines (Richards et al. 2015 PMID: 25741868, with internal and published modifications).

Literature cited by the submitters: PubMed 10751138 (cited by Genomenon, Inc).